The following is an entry in ClinVar:

ClinVar aggregate classification (germline): Uncertain significance (1 of 4 stars; one submission).

gnomAD v4.1: 201 of 1,612,354 alleles (0.012%); highest among the groups gnomAD compares: African/African-American, 0.21%; 2 homozygotes.

Submission:

GeneDx
Classification: Uncertain significance. Last evaluated: 2026-05-20. Review status: criteria provided, single submitter. Criteria: GeneDx Variant Classification Process June 2021. Collection method: clinical testing. Allele origin: germline.
Comment: In silico analysis supports that this missense variant has a deleterious effect on protein structure/function; Has not been previously published as pathogenic or benign to our knowledge

NM_006828.4(ASCC3):c.1433A>G (p.Asn478Ser)

Gene: ASCC3 (activating signal cointegrator 1 complex subunit 3; minus strand). Cytogenetic location: 6q16.3.
Variant type: single nucleotide variant.
Coding change: c.1433A>G on transcript NM_006828.4 (MANE Select); coding-DNA position 1433, A replaced by G.
Protein change: p.Asn478Ser; replaces asparagine 478 with serine.
Molecular consequence: missense variant.
Genome position (GRCh38, 1-based): chr6:100,767,308, T>C on the plus strand (A>G on the coding strand, the complement: ASCC3 is on the minus strand). VCF-style: chr6-100767308-T-C. GRCh37 (hg19) VCF-style: chr6-101215184-T-C.
Other names: c.1433A>G, p.Asn478Ser (NM_001284271.2); short protein forms N478S.
Identifiers: ClinVar variation 3770027 (VCV003770027.2).
Genomic context (GRCh38, chr6:100,767,308, plus strand): 5'-CAAATCAGCATGTTCTCATTGGTGTTGTAGGCAGTCTCAAACACTATTGACTGGATTCTA[T>C]TGAGTCTCTTCATTCCTTTAAAAGCCAGCTGTCCGATCTAAAAAAAAAAGGCATCACCCA-3'
Protein context (NP_006819.2, residues 468-488): QLAFKGMKRL[Asn478Ser]RIQSIVFETA